The following is an entry in ClinVar:

NM_004260.4(RECQL4):c.631G>C (p.Asp211His)

Gene: RECQL4 (RecQ like helicase 4; minus strand). Cytogenetic location: 8q24.3.
Variant type: single nucleotide variant.
Coding change: c.631G>C on transcript NM_004260.4 (MANE Select); coding-DNA position 631, G replaced by C.
Protein change: p.Asp211His; replaces aspartic acid 211 with histidine.
Molecular consequence: missense variant.
Genome position (GRCh38, 1-based): chr8:144,516,488, C>G on the plus strand (G>C on the coding strand, the complement: RECQL4 is on the minus strand). VCF-style: chr8-144516488-C-G. GRCh37 (hg19) VCF-style: chr8-145741872-C-G.
Other names: short protein forms D211H.
Identifiers: ClinVar variation 645197 (VCV000645197.10), dbSNP rs776528292, ClinGen allele CA4949231.

ClinVar aggregate classification (germline): Conflicting classifications of pathogenicity. Review status: criteria provided, conflicting classifications (1 of 4 stars). 2 submissions from 2 submitters: Uncertain significance (1); Likely benign (1). Last evaluated 2026-01-26.

Conditions:
Inborn genetic diseases. Identifiers: MedGen C0950123, MeSH D030342.
Baller-Gerold syndrome (BGS). Also called: CRANIOSYNOSTOSIS WITH RADIAL DEFECTS. Identifiers: Orphanet 1225, MedGen C0265308, MONDO:0009039, OMIM 218600.

Allele frequency attached by ClinVar (database versions not stated): gnomAD exomes below 0.00001; ExAC 0.00001; gnomAD 0.00001.
gnomAD v4.1: 7 of 1,608,724 alleles (0.00044%); highest among the groups gnomAD compares: East Asian, 0.0045%; no homozygotes.

Submissions (2):

Ambry Genetics
Classification: Likely benign for Inborn genetic diseases. Last evaluated: 2026-01-26. Review status: criteria provided, single submitter. Criteria: Ambry Variant Classification Scheme 2023. Collection method: clinical testing. Allele origin: germline.

Labcorp Genetics (formerly Invitae), Labcorp
Classification: Uncertain significance for Baller-Gerold syndrome. Last evaluated: 2025-07-31. Review status: criteria provided, single submitter. Criteria: Invitae Variant Classification Sherloc (09022015). Collection method: clinical testing. Allele origin: germline.
Comment: This sequence change replaces aspartic acid, which is acidic and polar, with histidine, which is basic and polar, at codon 211 of the RECQL4 protein (p.Asp211His). The frequency data for this variant in the population databases is considered unreliable, as metrics indicate poor data quality at this position in the gnomAD database. This variant has not been reported in the literature in individuals affected with RECQL4-related conditions. ClinVar contains an entry for this variant (Variation ID: 645197). Invitae Evidence Modeling of protein sequence and biophysical properties (such as structural, functional, and spatial information, amino acid conservation, physicochemical variation, residue mobility, and thermodynamic stability) indicates that this missense variant is not expected to disrupt RECQL4 protein function with a negative predictive value of 80%. In summary, the available evidence is currently insufficient to determine the role of this variant in disease. Therefore, it has been classified as a Variant of Uncertain Significance.